The following is an entry in ClinVar:

ClinVar aggregate classification (germline): Conflicting classifications of pathogenicity. Review status: criteria provided, conflicting classifications (1 of 4 stars). 3 submissions from 3 submitters: Uncertain significance (2); Likely benign (1). Last evaluated 2023-10-11.

Conditions:
Hereditary cancer-predisposing syndrome. Also called: Neoplastic Syndromes, Hereditary; Hereditary Cancer Syndrome; Hereditary neoplastic syndrome; Tumor predisposition. Identifiers: Orphanet 140162, MedGen C0027672, MeSH D009386, MONDO:0015356.
Hereditary breast ovarian cancer syndrome. Also called: Hereditary breast and ovarian cancer syndrome (HBOC); Hereditary breast and ovarian cancer syndrome; Breast and ovarian cancer; Hereditary breast and/or ovarian cancer syndrome; Hereditary breast and ovarian cancer; BRCA1- and BRCA2-Associated Hereditary Breast and Ovarian Cancer. Identifiers: Orphanet 145, MedGen C0677776, MeSH D061325, MONDO:0003582. Disease mechanism: loss of function.

Submissions (3):

Labcorp Genetics (formerly Invitae), Labcorp
Classification: Uncertain significance for Hereditary breast ovarian cancer syndrome. Last evaluated: 2023-10-11. Review status: criteria provided, single submitter. Criteria: Invitae Variant Classification Sherloc (09022015). Collection method: clinical testing. Allele origin: germline.
Comment: This sequence change replaces alanine, which is neutral and non-polar, with serine, which is neutral and polar, at codon 1199 of the BRCA1 protein (p.Ala1199Ser). This variant is not present in population databases (gnomAD no frequency). This variant has not been reported in the literature in individuals affected with BRCA1-related conditions. ClinVar contains an entry for this variant (Variation ID: 462614). Advanced modeling of protein sequence and biophysical properties (such as structural, functional, and spatial information, amino acid conservation, physicochemical variation, residue mobility, and thermodynamic stability) performed at Invitae indicates that this missense variant is not expected to disrupt BRCA1 protein function. In summary, the available evidence is currently insufficient to determine the role of this variant in disease. Therefore, it has been classified as a Variant of Uncertain Significance.

Ambry Genetics
Classification: Uncertain significance for Hereditary cancer-predisposing syndrome. Last evaluated: 2023-06-05. Review status: criteria provided, single submitter. Criteria: Ambry Variant Classification Scheme 2023. Collection method: clinical testing. Allele origin: germline.

University of Washington Department of Laboratory Medicine, University of Washington
Classification: Likely benign for Hereditary cancer-predisposing syndrome. Last evaluated: 2023-03-23. Review status: criteria provided, single submitter. Criteria: Dines et al. (Genet Med. 2020). Collection method: curation. Allele origin: germline.
Comment: Missense variant in a coldspot region where missense variants are very unlikely to be pathogenic (PMID:31911673).

BRCA1 coldspot (exon 11 using historical exon numbering). Reclassification based on statistical prior probability

NM_007294.4(BRCA1):c.3595G>T (p.Ala1199Ser)

Genes: BRCA1 (BRCA1 DNA repair associated; minus strand), LOC126862571 (BRD4-independent group 4 enhancer GRCh37_chr17:41243136-41244335; plus strand). Cytogenetic location: 17q21.31.
Variant type: single nucleotide variant.
Coding change: c.3595G>T on transcript NM_007294.4 (MANE Select); coding-DNA position 3595, G replaced by T.
Protein change: p.Ala1199Ser; replaces alanine 1199 with serine.
Molecular consequence: missense variant. On other transcripts: intron variant (135).
Genome position (GRCh38, 1-based): chr17:43,091,936, C>A on the plus strand (G>T on the coding strand, the complement: BRCA1 is on the minus strand). VCF-style: chr17-43091936-C-A. GRCh37 (hg19) VCF-style: chr17-41243953-C-A.
Other names: c.3385G>T, p.Ala1129Ser (NM_001407887.1, NM_001407889.1, NM_001407879.1 and 13 more transcripts); c.3382G>T, p.Ala1128Ser (NM_001407896.1, NM_001407897.1, NM_001407898.1 and 9 more transcripts); c.3262G>T, p.Ala1088Ser (NM_001407957.1, NM_001407946.1, NM_001407947.1 and 6 more transcripts); c.3259G>T, p.Ala1087Ser (NM_001407958.1, NM_001407954.1, NM_001407955.1 and 1 more transcripts); c.3214G>T, p.Ala1072Ser (NM_001407959.1, NM_001407960.1, NM_001407963.1); c.3211G>T, p.Ala1071Ser (NM_001407962.1); c.3451G>T, p.Ala1151Ser (NM_001407964.1, NM_001407740.1, NM_001407741.1 and 20 more transcripts); c.3091G>T, p.Ala1031Ser (NM_001407965.1); and 41 more; short protein forms A1199S, A1152S, A1111S, A1128S, A1132S, A1173S, A1071S, A1072S.
Identifiers: ClinVar variation 462614 (VCV000462614.14), dbSNP rs1555587437, ClinGen allele CA10594772.